The following is an entry in ClinVar:

ClinVar aggregate classification (germline): Uncertain significance (1 of 4 stars; one submission).

gnomAD v4.1: 1 of 1,607,064 alleles (0.000062%); no homozygotes.

Submission:

Labcorp Genetics (formerly Invitae), Labcorp
Classification: Uncertain significance. Last evaluated: 2025-11-17. Review status: criteria provided, single submitter. Criteria: Invitae Variant Classification Sherloc (09022015). Collection method: clinical testing. Allele origin: germline.
Comment: This sequence change falls in intron 31 of the MTOR gene. It does not directly change the encoded amino acid sequence of the MTOR protein. It affects a nucleotide within the consensus splice site. This variant is not present in population databases (gnomAD no frequency). This variant has not been reported in the literature in individuals affected with MTOR-related conditions. ClinVar contains an entry for this variant (Variation ID: 3019657). Variants that disrupt the consensus splice site are a relatively common cause of aberrant splicing (PMID: 17576681, 9536098). Algorithms developed to predict the effect of sequence changes on RNA splicing suggest that this variant is not likely to affect RNA splicing. In summary, the available evidence is currently insufficient to determine the role of this variant in disease. Therefore, it has been classified as a Variant of Uncertain Significance.

Literature cited by the submitters: PubMed 17576681; PubMed 9536098.

NM_004958.4(MTOR):c.4571-3T>C

Genes: MTOR (mechanistic target of rapamycin kinase; minus strand), MTOR-AS1 (MTOR antisense RNA 1; plus strand). Cytogenetic location: 1p36.22.
Variant type: single nucleotide variant.
Coding change: c.4571-3T>C on transcript NM_004958.4 (MANE Select); 3 bases into the intron before coding-DNA position 4571, T replaced by C.
Molecular consequence: intron variant.
Genome position (GRCh38, 1-based): chr1:11,146,794, A>G on the plus strand (T>C on the coding strand, the complement: MTOR is on the minus strand). VCF-style: chr1-11146794-A-G. GRCh37 (hg19) VCF-style: chr1-11206851-A-G.
Other names: c.3323-3T>C (NM_001386501.1); c.4571-3T>C (NM_001386500.1).
Identifiers: ClinVar variation 3019657 (VCV003019657.3), dbSNP rs2522509187, ClinGen allele CA2643245137.